The following is an entry in ClinVar:

ClinVar aggregate classification (germline): Benign (0 of 4 stars; one submission).

Conditions:
UGT2B17-related disorder. Also called: UGT2B17-related condition.

Allele frequency attached by ClinVar (database versions not stated): 1000 Genomes Project 30x 0.52967; gnomAD 0.55550; ESP Exome Variant Server 0.56411; 1000 Genomes Project 0.59744; ExAC 0.60024; gnomAD exomes 0.63075.

Submission:

PreventionGenetics, part of Exact Sciences
Classification: Benign for UGT2B17-related condition. Last evaluated: 2019-10-21. Review status: no assertion criteria provided. Collection method: clinical testing. Allele origin: germline.
Comment: This variant is classified as benign based on ACMG/AMP sequence variant interpretation guidelines (Richards et al. 2015 PMID: 25741868, with internal and published modifications).

NM_001077.4(UGT2B17):c.1065T>C (p.Tyr355=)

Gene: UGT2B17 (UDP glucuronosyltransferase family 2 member B17; minus strand). Cytogenetic location: 4q13.2.
Variant type: single nucleotide variant.
Coding change: c.1065T>C on transcript NM_001077.4 (MANE Select); coding-DNA position 1065, T replaced by C.
Protein change: p.Tyr355=; no amino-acid change (tyrosine 355 retained).
Molecular consequence: synonymous variant.
Genome position (GRCh38, 1-based): chr4:68,551,852, A>G on the plus strand (T>C on the coding strand, the complement: UGT2B17 is on the minus strand). VCF-style: chr4-68551852-A-G. GRCh37 (hg19) VCF-style: chr4-69417570-A-G.
Identifiers: ClinVar variation 3059019 (VCV003059019.2), dbSNP rs28374627, ClinGen allele CA2942110.
Genomic context (GRCh38, chr4:68,551,852, plus strand): 5'-ATATATTCAGTATTTGTTCTCCAGAGTCTTACCAAGAAGGTCATTCTGGGGTAACCACTT[A>G]TACAGTCGAGTATTGGAACCTAAAGTATTTGGCTTCTTGCCATCAAATCTCCATAGAACC-3'
Protein context (NP_001068.1, residues 345-365): PNTLGSNTRL[Tyr355=]KWLPQNDLLG